The following is an entry in ClinVar:

NM_012200.4(B3GAT3):c.986C>G (p.Ser329Ter)

Gene: B3GAT3 (beta-1,3-glucuronyltransferase 3; minus strand). Cytogenetic location: 11q12.3.
Variant type: single nucleotide variant.
Coding change: c.986C>G on transcript NM_012200.4 (MANE Select); coding-DNA position 986, C replaced by G.
Protein change: p.Ser329Ter; replaces serine 329 with a stop codon.
Molecular consequence: nonsense. On other transcripts: 3 prime UTR variant (2), non-coding transcript variant (1).
Genome position (GRCh38, 1-based): chr11:62,615,723, G>C on the plus strand (C>G on the coding strand, the complement: B3GAT3 is on the minus strand). VCF-style: chr11-62615723-G-C. GRCh37 (hg19) VCF-style: chr11-62383195-G-C.
Other names: c.965C>G, p.Ser322Ter (NM_001288721.2); c.*463C>G (NM_001288722.2); c.*479C>G (NM_001288723.2); short protein forms S322*, S329*.
Identifiers: ClinVar variation 2578426 (VCV002578426.2), dbSNP rs2134426262, ClinGen allele CA380973932.

ClinVar aggregate classification (germline): Likely pathogenic (1 of 4 stars; one submission).

Conditions:
Larsen-like syndrome, B3GAT3 type. Also called: MULTIPLE JOINT DISLOCATIONS, SHORT STATURE, AND CRANIOFACIAL DYSMORPHISM WITH OR WITHOUT CONGENITAL HEART DEFECTS; Multiple joint dislocations, short stature, craniofacial dysmorphism, with or without congenital heart defects. Identifiers: Orphanet 284139, MedGen CN034159, MONDO:0009511, OMIM 245600.

Allele frequency attached by ClinVar (database versions not stated): gnomAD exomes below 0.00001.
gnomAD v4.1: 1 of 1,613,844 alleles (0.000062%); highest among the groups gnomAD compares: South Asian, 0.0011%; no homozygotes.

Submission:

Institute of Human Genetics, University of Leipzig Medical Center
Classification: Likely pathogenic for Larsen-like syndrome, B3GAT3 type. Last evaluated: 2023-08-29. Review status: criteria provided, single submitter. Criteria: ACMG Guidelines, 2015. Collection method: clinical testing. Allele origin: maternal. Inheritance: Autosomal recessive inheritance. Affected: yes.
Comment: Criteria applied: PVS1_MOD,PM3,PM2_SUP,PP4; Identified as compund heterozygous with NM_012200.4:c.505C>T